The following is an entry in ClinVar:

ClinVar aggregate classification (germline): Conflicting classifications of pathogenicity. Review status: criteria provided, conflicting classifications (1 of 4 stars). 6 submissions from 6 submitters: Uncertain significance (2); Likely benign (4). Last evaluated 2026-10-19.

Conditions:
Shprintzen-Goldberg syndrome (SGS). Also called: SHPRINTZEN-GOLDBERG CRANIOSYNOSTOSIS SYNDROME; CRANIOSYNOSTOSIS WITH ARACHNODACTYLY AND ABDOMINAL HERNIAS; Marfanoid disorder with craniosynostosis type 1; Marfanoid craniosynostosis syndrome; Shprintzen-Goldberg marfanoid syndrome. Identifiers: Orphanet 2462, MedGen C1321551, MONDO:0008426, OMIM 182212.
Familial thoracic aortic aneurysm and aortic dissection (TAAD). Also called: Thoracic aortic aneurysms and dissections. Identifiers: Orphanet 91387, MedGen C4707243, MONDO:0019625.

Allele frequency attached by ClinVar (database versions not stated): TOPMed 0.00002; gnomAD 0.00003; gnomAD exomes 0.00005 and 0.00008; ExAC 0.00009.
gnomAD v4.1: 75 of 1,597,620 alleles (0.0047%); highest among the groups gnomAD compares: Middle Eastern, 0.016%; no homozygotes.

Submissions (6):

GeneDx
Classification: Uncertain significance. Last evaluated: 2026-10-19. Review status: criteria provided, single submitter. Criteria: GeneDx Variant Classification Process June 2021. Collection method: clinical testing. Allele origin: germline.
Comment: In silico analysis supports that this missense variant has a deleterious effect on protein structure/function; Has not been previously published as pathogenic or benign to our knowledge in individuals with a SKI-related phenotype; This variant is associated with the following publications: (PMID: 35982159, 33057194)

Labcorp Genetics (formerly Invitae), Labcorp
Classification: Likely benign for Shprintzen-Goldberg syndrome. Last evaluated: 2025-08-12. Review status: criteria provided, single submitter. Criteria: Invitae Variant Classification Sherloc (09022015). Collection method: clinical testing. Allele origin: germline.

Ambry Genetics
Classification: Likely benign for Familial thoracic aortic aneurysm and aortic dissection. Last evaluated: 2025-03-06. Review status: criteria provided, single submitter. Criteria: Ambry Variant Classification Scheme 2023. Collection method: clinical testing. Allele origin: germline.

Blueprint Genetics
Classification: Likely benign. Last evaluated: 2024-08-13. Review status: criteria provided, single submitter. Criteria: ACMG Guidelines, 2015. Collection method: clinical testing. Allele origin: germline.

CeGaT Center for Human Genetics Tuebingen
Classification: Likely benign. Last evaluated: 2023-10-01. Review status: criteria provided, single submitter. Criteria: CeGaT Center For Human Genetics Tuebingen Variant Classification Criteria Version 2. Collection method: clinical testing. Allele origin: germline. Affected: yes. Observed: 2 variant alleles.
Comment: SKI: PP2, BS2

Fulgent Genetics
Classification: Uncertain significance for Shprintzen-Goldberg syndrome. Last evaluated: 2018-10-31. Review status: criteria provided, single submitter. Criteria: ACMG Guidelines, 2015. Collection method: clinical testing. Allele origin: unknown.

NM_003036.4(SKI):c.1877A>T (p.Lys626Met)

Gene: SKI (SKI proto-oncogene; plus strand). Cytogenetic location: 1p36.32.
Variant type: single nucleotide variant.
Coding change: c.1877A>T on transcript NM_003036.4 (MANE Select); coding-DNA position 1877, A replaced by T.
Protein change: p.Lys626Met; replaces lysine 626 with methionine.
Molecular consequence: missense variant.
Genome position (GRCh38, 1-based): chr1:2,306,129, A>T. VCF-style: chr1-2306129-A-T. GRCh37 (hg19) VCF-style: chr1-2237568-A-T.
Other names: p.K626M:AAG>ATG; short protein forms K626M.
Identifiers: ClinVar variation 213698 (VCV000213698.61), dbSNP rs774106502, ClinGen allele CA321138.